The following is an entry in ClinVar:

ClinVar aggregate classification (germline): Uncertain significance (1 of 4 stars; one submission).

Conditions:
Early Myoclonic Encephalopathy. Identifiers: MedGen C0270855.

Allele frequency attached by ClinVar (database versions not stated): gnomAD 0.00001; TOPMed 0.00001.
gnomAD v4.1: 7 of 1,613,930 alleles (0.00043%); highest among the groups gnomAD compares: Non-Finnish European, 0.00059%; no homozygotes.

Submission:

Labcorp Genetics (formerly Invitae), Labcorp
Classification: Uncertain significance for Early Myoclonic Encephalopathy. Last evaluated: 2026-01-01. Review status: criteria provided, single submitter. Criteria: Invitae Variant Classification Sherloc (09022015). Collection method: clinical testing. Allele origin: germline.
Comment: This sequence change replaces tryptophan, which is neutral and slightly polar, with arginine, which is basic and polar, at codon 1702 of the JMJD1C protein (p.Trp1702Arg). This variant is present in population databases (rs199703728, gnomAD 0.0009%). This variant has not been reported in the literature in individuals affected with JMJD1C-related conditions. ClinVar contains an entry for this variant (Variation ID: 1057416). Invitae Evidence Modeling of protein sequence and biophysical properties (such as structural, functional, and spatial information, amino acid conservation, physicochemical variation, residue mobility, and thermodynamic stability) indicates that this missense variant is expected to disrupt JMJD1C protein function with a positive predictive value of 80%. In summary, the available evidence is currently insufficient to determine the role of this variant in disease. Therefore, it has been classified as a Variant of Uncertain Significance.

NM_032776.3(JMJD1C):c.5104T>C (p.Trp1702Arg)

Gene: JMJD1C (jumonji domain containing 1C; minus strand). Cytogenetic location: 10q21.3.
Variant type: single nucleotide variant.
Coding change: c.5104T>C on transcript NM_032776.3 (MANE Select); coding-DNA position 5104, T replaced by C.
Protein change: p.Trp1702Arg; replaces tryptophan 1702 with arginine.
Molecular consequence: missense variant.
Genome position (GRCh38, 1-based): chr10:63,200,648, A>G on the plus strand (T>C on the coding strand, the complement: JMJD1C is on the minus strand). VCF-style: chr10-63200648-A-G. GRCh37 (hg19) VCF-style: chr10-64960408-A-G.
Other names: c.4558T>C, p.Trp1520Arg (NM_001282948.2, NM_001318154.2); c.4240T>C, p.Trp1414Arg (NM_001318153.2); c.4990T>C, p.Trp1664Arg (NM_001322252.2); c.4447T>C, p.Trp1483Arg (NM_001322254.2, NM_001322258.2); short protein forms W1414R, W1483R, W1520R, W1664R, W1702R.
Identifiers: ClinVar variation 1057416 (VCV001057416.9), dbSNP rs199703728, ClinGen allele CA208365243.